The following is an entry in ClinVar:

NM_000317.3(PTS):c.205A>G (p.Met69Val)

Gene: PTS (6-pyruvoyltetrahydropterin synthase; plus strand). Cytogenetic location: 11q23.1.
Variant type: single nucleotide variant.
Coding change: c.205A>G on transcript NM_000317.3 (MANE Select); coding-DNA position 205, A replaced by G.
Protein change: p.Met69Val; replaces methionine 69 with valine.
Molecular consequence: missense variant.
Genome position (GRCh38, 1-based): chr11:112,230,644, A>G. VCF-style: chr11-112230644-A-G. GRCh37 (hg19) VCF-style: chr11-112101367-A-G.
Other names: short protein forms M69V.
Identifiers: ClinVar variation 4072616 (VCV004072616.1).
Genomic context (GRCh38, chr11:112,230,644, plus strand): 5'-GAGAGCCTATCACAGTAATATTCACCTTTGTTTATTCTTTAGATTGACCCTGCTACGGGA[A>G]TGGTTATGAATCTGGCTGATCTCAAAAAATATATGGAGGTAATGGCATGTTGGGTGCTTA-3'
Protein context (NP_000308.1, residues 59-79): VHGEIDPATG[Met69Val]VMNLADLKKY

ClinVar aggregate classification (germline): Uncertain significance (1 of 4 stars; one submission).

gnomAD v4.1: 4 of 1,610,942 alleles (0.00025%); highest among the groups gnomAD compares: African/African-American, 0.0027%; no homozygotes.

Submission:

GeneDx
Classification: Uncertain significance. Last evaluated: 2025-01-29. Review status: criteria provided, single submitter. Criteria: GeneDx Variant Classification Process June 2021. Collection method: clinical testing. Allele origin: germline. Affected: yes.
Comment: Not observed at significant frequency in large population cohorts (gnomAD); In silico analysis supports that this missense variant has a deleterious effect on protein structure/function; Has not been previously published as pathogenic or benign to our knowledge